The following is an entry in ClinVar:

NM_001365276.2(TNXB):c.9267C>G (p.His3089Gln)

Gene: TNXB (tenascin XB; minus strand). Cytogenetic location: 6p21.33.
Variant type: single nucleotide variant.
Coding change: c.9267C>G on transcript NM_001365276.2 (MANE Select); coding-DNA position 9267, C replaced by G.
Protein change: p.His3089Gln; replaces histidine 3089 with glutamine.
Molecular consequence: missense variant.
Genome position (GRCh38, 1-based): chr6:32,050,170, G>C on the plus strand (C>G on the coding strand, the complement: TNXB is on the minus strand). VCF-style: chr6-32050170-G-C. GRCh37 (hg19) VCF-style: chr6-32017947-G-C.
Other names: c.9261C>G, p.His3087Gln (NM_019105.8); short protein forms H3089Q, H3087Q.
Identifiers: ClinVar variation 2451145 (VCV002451145.2), dbSNP rs2483431807, ClinGen allele CA363540884.

ClinVar aggregate classification (germline): Uncertain significance (1 of 4 stars; one submission).

Conditions:
Cardiovascular phenotype. Identifiers: MedGen CN230736.

Submission:

Ambry Genetics
Classification: Uncertain significance for Cardiovascular phenotype. Last evaluated: 2022-12-23. Review status: criteria provided, single submitter. Criteria: Ambry Variant Classification Scheme 2023. Collection method: clinical testing. Allele origin: germline.
Comment: The p.H3087Q variant (also known as c.9261C>G), located in coding exon 26 of the TNXB gene, results from a C to G substitution at nucleotide position 9261. The histidine at codon 3087 is replaced by glutamine, an amino acid with highly similar properties. This amino acid position is conserved. In addition, this alteration is predicted to be tolerated by in silico analysis. Since supporting evidence is limited at this time, the clinical significance of this alteration remains unclear.